The following is an entry in ClinVar:

ClinVar aggregate classification (germline): Uncertain significance (1 of 4 stars; one submission).

Submission:

Women's Health and Genetics/Laboratory Corporation of America, LabCorp
Classification: Uncertain significance. Last evaluated: 2025-03-18. Review status: criteria provided, single submitter. Criteria: LabCorp Variant Classification Summary - May 2015. Collection method: clinical testing. Allele origin: germline.
Comment: Variant summary: U2AF2 c.*4_*13del10 is located in the untranslated mRNA region downstream of the termination codon. The variant allele was found at a frequency of 1.3e-05 in 237130 control chromosomes. The available data on variant occurrences in the general population are insufficient to allow any conclusion about variant significance. To our knowledge, no occurrence of c.*4_*13del10 in individuals affected with Developmental Delay, Dysmorphic Facies, And Brain Anomalies and no experimental evidence demonstrating its impact on protein function have been reported. No submitters have cited clinical-significance assessments for this variant to ClinVar. Based on the evidence outlined above, the variant was classified as uncertain significance.

NM_007279.3(U2AF2):c.*4_*13del

Gene: U2AF2 (U2 small nuclear RNA auxiliary factor 2; plus strand). Cytogenetic location: 19q13.42.
Variant type: Deletion.
Coding change: c.*4_*13del on transcript NM_007279.3 (MANE Select); 4 bases downstream of the stop codon through 13 bases downstream of the stop codon, 10 bases deleted (CGGCTGGGGG; older notation c.*4_*13delCGGCTGGGGG).
Molecular consequence: 3 prime UTR variant.
Genome position (GRCh38, 1-based): chr19:55,674,072-55,674,081, CGGCTGGGGG deleted; deleting any 10 consecutive bases within chr19:55,674,070-55,674,081 gives the same sequence; the c. name uses the placement nearest the transcript's 3' end. VCF-style (leftmost placement, unchanged base first): chr19-55674069-AGGCGGCTGGG-A. GRCh37 (hg19) VCF-style: chr19-56185435-AGGCGGCTGGG-A.
Other names: c.*4_*13del (NM_001012478.2); c.*4_*13del10 (NM_007279.3).
Identifiers: ClinVar variation 3895569 (VCV003895569.1).